The following is an entry in ClinVar:

NM_000548.5(TSC2):c.1444-151C>T

Gene: TSC2 (TSC complex subunit 2; plus strand). Cytogenetic location: 16p13.3.
Variant type: single nucleotide variant.
Coding change: c.1444-151C>T on transcript NM_000548.5 (MANE Select); 151 bases into the intron before coding-DNA position 1444, C replaced by T.
Molecular consequence: intron variant.
Genome position (GRCh38, 1-based): chr16:2,064,121, C>T. VCF-style: chr16-2064121-C-T. GRCh37 (hg19) VCF-style: chr16-2114122-C-T.
Other names: c.1444-151C>T (NM_001114382.3, NM_021055.3, NM_001370405.1 and 3 more transcripts); c.1333-151C>T (NM_001318827.2); c.844-151C>T (NM_001318831.2); c.1297-151C>T (NM_001318829.2); c.1477-151C>T (NM_001318832.2).
Identifiers: ClinVar variation 677677 (VCV000677677.1), dbSNP rs116269447, ClinGen allele CA276778597.
Genomic context (GRCh38, chr16:2,064,121, plus strand): 5'-CCTTCTGAACGAGGAGCTGGACAGGATCCCTGGAAGGGGCCCCGGGGTCTCTGAGTCGCG[C>T]TCAGCGGGTGCTTGTGCTCTCTGCCCAGCTGTGCTGAAGTCCCGAGGGACATGTCCGCTG-3'

ClinVar aggregate classification (germline): Likely benign (1 of 4 stars; one submission).

Allele frequency attached by ClinVar (database versions not stated): gnomAD 0.00493 and 0.00532; TOPMed 0.00564; 1000 Genomes Project 0.00619; 1000 Genomes Project 30x 0.00640.

Submission:

GeneDx
Classification: Likely benign. Last evaluated: 2018-06-14. Review status: criteria provided, single submitter. Criteria: GeneDx Variant Classification (06012015). Collection method: clinical testing. Allele origin: germline. Affected: yes.
Comment: This variant is considered likely benign or benign based on one or more of the following criteria: it is a conservative change, it occurs at a poorly conserved position in the protein, it is predicted to be benign by multiple in silico algorithms, and/or has population frequency not consistent with disease.